The following is an entry in ClinVar:

NM_003331.5(TYK2):c.3488A>G (p.Glu1163Gly)

Gene: TYK2 (tyrosine kinase 2; minus strand). Cytogenetic location: 19p13.2.
Variant type: single nucleotide variant.
Coding change: c.3488A>G on transcript NM_003331.5 (MANE Select); coding-DNA position 3488, A replaced by G.
Protein change: p.Glu1163Gly; replaces glutamic acid 1163 with glycine.
Molecular consequence: missense variant.
Genome position (GRCh38, 1-based): chr19:10,350,910, T>C on the plus strand (A>G on the coding strand, the complement: TYK2 is on the minus strand). VCF-style: chr19-10350910-T-C. GRCh37 (hg19) VCF-style: chr19-10461586-T-C.
Other names: p.Glu1163Gly; c.3488A>G (LRG_121t1); short protein forms E1163G.
Identifiers: ClinVar variation 468764 (VCV000468764.17), dbSNP rs55886939, ClinGen allele CA9192704.
Genomic context (GRCh38, chr19:10,350,910, plus strand): 5'-ACTGAAGGGGCCTGGCCTTGGTACTTCTCATGGACTGTCTTCAGAATGGGTATGAGGTTC[T>C]CGAAGGTTGGGCGAAAGGACGCCTCTGTCTCCCAGCAGTTCTTCATGAGATGATAGACCT-3'
Protein context (NP_003322.3, residues 1153-1173): ETEASFRPTF[Glu1163Gly]NLIPILKTVH

ClinVar aggregate classification (germline): Benign. Review status: criteria provided, multiple submitters, no conflicts (2 of 4 stars). 5 submissions from 5 submitters: Benign (5). Last evaluated 2026-01-27.

Conditions:
Immunodeficiency 35 (IMD35). Also called: HIES WITH ATYPICAL MYCOBACTERIOSIS, AUTOSOMAL RECESSIVE; HYPER-IgE SYNDROME WITH ATYPICAL MYCOBACTERIOSIS, AUTOSOMAL RECESSIVE; TYK2 DEFICIENCY; Susceptibility to infection due to TYK2 deficiency. Identifiers: Orphanet 331226, MedGen C1969086, MONDO:0012682, OMIM 611521.

Allele frequency attached by ClinVar (database versions not stated): gnomAD 0.00226 and 0.00322; TOPMed 0.00255; ESP Exome Variant Server 0.00261; gnomAD exomes 0.00390 and 0.00596; 1000 Genomes Project 30x 0.00656; 1000 Genomes Project 0.00659; ExAC 0.00671.
gnomAD v4.1: 6,264 of 1,614,180 alleles (0.39%); highest among the groups gnomAD compares: South Asian, 3.1%; 94 homozygotes.

Submissions (5):

Labcorp Genetics (formerly Invitae), Labcorp
Classification: Benign for Immunodeficiency 35. Last evaluated: 2026-01-27. Review status: criteria provided, single submitter. Criteria: Invitae Variant Classification Sherloc (09022015). Collection method: clinical testing. Allele origin: germline.

Mayo Clinic Laboratories, Mayo Clinic
Classification: Benign. Last evaluated: 2023-11-13. Review status: criteria provided, single submitter. Criteria: ACMG Guidelines, 2015. Collection method: clinical testing. Allele origin: germline. Observed: 2 variant alleles.
Comment: BS1, BS2, BP4

Illumina Laboratory Services, Illumina
Classification: Benign for Immunodeficiency 35. Last evaluated: 2017-04-27. Review status: criteria provided, single submitter. Criteria: ICSL Variant Classification Criteria 13 December 2019. Collection method: clinical testing. Allele origin: germline.
Comment: This variant was observed as part of a predisposition screen in an ostensibly healthy population. A literature search was performed for the gene, cDNA change, and amino acid change (where applicable). Publications were found based on this search. The evidence from the literature, in combination with allele frequency data from public databases where available, was sufficient to rule this variant out of causing disease. Therefore, this variant is classified as benign.

GeneDx
Classification: Benign. Last evaluated: 2017-02-21. Review status: criteria provided, single submitter. Criteria: GeneDx Variant Classification (06012015). Collection method: clinical testing. Allele origin: germline. Affected: yes.
Comment: This variant is considered likely benign or benign based on one or more of the following criteria: it is a conservative change, it occurs at a poorly conserved position in the protein, it is predicted to be benign by multiple in silico algorithms, and/or has population frequency not consistent with disease.

Breakthrough Genomics
Classification: Benign. Review status: criteria provided, single submitter. Criteria: ACMG Guidelines, 2015. Collection method: not provided. Allele origin: germline. Inheritance: Autosomal recessive inheritance. Affected: yes.

Literature cited by the submitters: PubMed 27872624 (cited by Illumina Laboratory Services, Illumina).